The following is an entry in ClinVar:

ClinVar aggregate classification (germline): Uncertain significance (1 of 4 stars; one submission).

Conditions:
Hereditary spastic paraplegia 4. Also called: Spastic Paraplegia 4; Spastic paraplegia 4, autosomal dominant; Familial spastic paraplegia autosomal dominant 2. Identifiers: Orphanet 100985, MedGen C1866855, MONDO:0008438, OMIM 182601.

Submission:

MGZ Medical Genetics Center
Classification: Uncertain significance for Hereditary spastic paraplegia 4. Last evaluated: 2022-07-25. Review status: criteria provided, single submitter. Criteria: ACMG Guidelines, 2015. Collection method: clinical testing. Allele origin: germline. Affected: yes. Observed: 1 variant allele.
Comment: ACMG criteria applied: PM2_SUP, PP3

NM_014946.4(SPAST):c.1834G>A (p.Gly612Arg)

Gene: SPAST (spastin; plus strand). Cytogenetic location: 2p22.3.
Variant type: single nucleotide variant.
Coding change: c.1834G>A on transcript NM_014946.4 (MANE Select); coding-DNA position 1834, G replaced by A.
Protein change: p.Gly612Arg; replaces glycine 612 with arginine.
Molecular consequence: missense variant. On other transcripts: 3 prime UTR variant (1).
Genome position (GRCh38, 1-based): chr2:32,154,479, G>A. VCF-style: chr2-32154479-G-A. GRCh37 (hg19) VCF-style: chr2-32379548-G-A.
Other names: c.1831G>A, p.Gly611Arg (NM_001363823.2); c.1735G>A, p.Gly579Arg (NM_001363875.2); c.*107G>A (NM_001377959.1); c.1738G>A, p.Gly580Arg (NM_199436.2); short protein forms G579R, G580R, G611R, G612R.
Identifiers: ClinVar variation 1709662 (VCV001709662.2), dbSNP rs2465946725, ClinGen allele CA346505751.
Genomic context (GRCh38, chr2:32,154,479, plus strand): 5'-ATAAAACGCAGCGTCAGCCCTCAAACTTTAGAAGCGTACATACGTTGGAACAAGGACTTT[G>A]GAGATACCACTGTTTAAGGAAATACCTTTGTAAACCTGCAGAACATTTTACTTAAAAGAG-3'
Protein context (NP_055761.2, residues 602-616): EAYIRWNKDF[Gly612Arg]DTTV